The following is an entry in ClinVar:

NM_031844.3(HNRNPU):c.1010A>C (p.Glu337Ala)

Gene: HNRNPU (heterogeneous nuclear ribonucleoprotein U; minus strand). Cytogenetic location: 1q44.
Variant type: single nucleotide variant.
Coding change: c.1010A>C on transcript NM_031844.3 (MANE Select); coding-DNA position 1010, A replaced by C.
Protein change: p.Glu337Ala; replaces glutamic acid 337 with alanine.
Molecular consequence: missense variant.
Genome position (GRCh38, 1-based): chr1:244,860,342, T>G on the plus strand (A>C on the coding strand, the complement: HNRNPU is on the minus strand). VCF-style: chr1-244860342-T-G. GRCh37 (hg19) VCF-style: chr1-245023644-T-G.
Other names: c.953A>C, p.Glu318Ala (NM_004501.3); short protein forms E318A, E337A.
Identifiers: ClinVar variation 1502673 (VCV001502673.8), dbSNP rs2102988050, ClinGen allele CA345493660.

ClinVar aggregate classification (germline): Uncertain significance (1 of 4 stars; one submission).

Conditions:
Developmental and epileptic encephalopathy, 54. Also called: Epileptic encephalopathy, early infantile, 54; HNRNPU-Related Neurodevelopmental Disorder. Identifiers: MedGen C4479319, MONDO:0033363, OMIM 617391.

Allele frequency attached by ClinVar (database versions not stated): gnomAD exomes below 0.00001.
gnomAD v4.1: 1 of 1,609,782 alleles (0.000062%); highest among the groups gnomAD compares: Non-Finnish European, 0.000085%; no homozygotes.

Submission:

Labcorp Genetics (formerly Invitae), Labcorp
Classification: Uncertain significance for Developmental and epileptic encephalopathy, 54. Last evaluated: 2021-12-02. Review status: criteria provided, single submitter. Criteria: Invitae Variant Classification Sherloc (09022015). Collection method: clinical testing. Allele origin: germline.
Comment: This sequence change replaces glutamic acid, which is acidic and polar, with alanine, which is neutral and non-polar, at codon 337 of the HNRNPU protein (p.Glu337Ala). In summary, the available evidence is currently insufficient to determine the role of this variant in disease. Therefore, it has been classified as a Variant of Uncertain Significance. Algorithms developed to predict the effect of missense changes on protein structure and function are either unavailable or do not agree on the potential impact of this missense change (SIFT: "Deleterious"; PolyPhen-2: "Not Available"; Align-GVGD: "Class C35"). This variant has not been reported in the literature in individuals affected with HNRNPU-related conditions. This variant is not present in population databases (gnomAD no frequency).